The following is an entry in ClinVar:

NM_020964.3(EPG5):c.3755G>A (p.Arg1252Gln)

Gene: EPG5 (ectopic P-granules 5 autophagy tethering factor; minus strand). Cytogenetic location: 18q21.1.
Variant type: single nucleotide variant.
Coding change: c.3755G>A on transcript NM_020964.3 (MANE Select); coding-DNA position 3755, G replaced by A.
Protein change: p.Arg1252Gln; replaces arginine 1252 with glutamine.
Molecular consequence: missense variant.
Genome position (GRCh38, 1-based): chr18:45,913,767, C>T on the plus strand (G>A on the coding strand, the complement: EPG5 is on the minus strand). VCF-style: chr18-45913767-C-T. GRCh37 (hg19) VCF-style: chr18-43493732-C-T.
Other names: c.3755G>A (NM_020964.2); short protein forms R1252Q.
Identifiers: ClinVar variation 1521186 (VCV001521186.5), dbSNP rs186446511, ClinGen allele CA8949073.
Genomic context (GRCh38, chr18:45,913,767, plus strand): 5'-TTCAGAGCTTGGTCAGGGGTGAAAGCAGAGTTTATCACCAATTCCCCTTCAATAACTCTC[C>T]GGAGCTGGGAGTCCTCTTCAAAGATGGATTCCATGTTGAGCACTGTCCAGGCAAACCAGA-3'
Protein context (NP_066015.2, residues 1242-1262): ESIFEEDSQL[Arg1252Gln]RVIEGELVIN

ClinVar aggregate classification (germline): Uncertain significance. Review status: criteria provided, multiple submitters, no conflicts (2 of 4 stars). 2 submissions from 2 submitters: Uncertain significance (2). Last evaluated 2023-11-22.

Conditions:
Inborn genetic diseases. Identifiers: MedGen C0950123, MeSH D030342.
Vici syndrome (VICIS). Identifiers: Orphanet 1493, MedGen C1855772, MONDO:0009452, OMIM 242840.

Allele frequency attached by ClinVar (database versions not stated): gnomAD 0.00001 and 0.00003; gnomAD exomes 0.00001; ExAC 0.00002; TOPMed 0.00003; 1000 Genomes Project 30x 0.00031; 1000 Genomes Project 0.00040.
gnomAD v4.1: 15 of 1,614,108 alleles (0.00093%); highest among the groups gnomAD compares: East Asian, 0.011%; no homozygotes.

Submissions (2):

Ambry Genetics
Classification: Uncertain significance for Inborn genetic diseases. Last evaluated: 2023-11-22. Review status: criteria provided, single submitter. Criteria: Ambry Variant Classification Scheme 2023. Collection method: clinical testing. Allele origin: germline.

Labcorp Genetics (formerly Invitae), Labcorp
Classification: Uncertain significance for Vici syndrome. Last evaluated: 2022-08-23. Review status: criteria provided, single submitter. Criteria: Invitae Variant Classification Sherloc (09022015). Collection method: clinical testing. Allele origin: germline.
Comment: This sequence change replaces arginine, which is basic and polar, with glutamine, which is neutral and polar, at codon 1252 of the EPG5 protein (p.Arg1252Gln). This variant is present in population databases (rs186446511, gnomAD 0.004%). This variant has not been reported in the literature in individuals affected with EPG5-related conditions. ClinVar contains an entry for this variant (Variation ID: 1521186). Algorithms developed to predict the effect of missense changes on protein structure and function are either unavailable or do not agree on the potential impact of this missense change (SIFT: "Tolerated"; PolyPhen-2: "Probably Damaging"; Align-GVGD: "Class C0"). In summary, the available evidence is currently insufficient to determine the role of this variant in disease. Therefore, it has been classified as a Variant of Uncertain Significance.